The following is an entry in ClinVar:

NM_001010892.3(RSPH4A):c.1006C>T (p.Arg336Cys)

Gene: RSPH4A (radial spoke head component 4A; plus strand). Cytogenetic location: 6q22.1.
Variant type: single nucleotide variant.
Coding change: c.1006C>T on transcript NM_001010892.3 (MANE Select); coding-DNA position 1006, C replaced by T.
Protein change: p.Arg336Cys; replaces arginine 336 with cysteine.
Molecular consequence: missense variant.
Genome position (GRCh38, 1-based): chr6:116,627,713, C>T. VCF-style: chr6-116627713-C-T. GRCh37 (hg19) VCF-style: chr6-116948876-C-T.
Other names: c.1006C>T, p.Arg336Cys (NM_001161664.2); c.1006C>T (NM_001010892.2); short protein forms R336C.
Identifiers: ClinVar variation 1362434 (VCV001362434.5), dbSNP rs746613781, ClinGen allele CA3970881.

ClinVar aggregate classification (germline): Uncertain significance. Review status: criteria provided, multiple submitters, no conflicts (2 of 4 stars). 2 submissions from 2 submitters: Uncertain significance (2). Last evaluated 2024-04-12.

Conditions:
Primary ciliary dyskinesia. Also called: Ciliary dyskinesia. Identifiers: Orphanet 244, MedGen C0008780, MONDO:0016575, HP:0012265.

Allele frequency attached by ClinVar (database versions not stated): ExAC 0.00002; gnomAD exomes 0.00003 and 0.00004; gnomAD 0.00004; TOPMed 0.00006.

Submissions (2):

Ambry Genetics
Classification: Uncertain significance for Primary ciliary dyskinesia. Last evaluated: 2024-04-12. Review status: criteria provided, single submitter. Criteria: Ambry Variant Classification Scheme 2023. Collection method: clinical testing. Allele origin: germline.

Labcorp Genetics (formerly Invitae), Labcorp
Classification: Uncertain significance for Primary ciliary dyskinesia. Last evaluated: 2023-11-02. Review status: criteria provided, single submitter. Criteria: Invitae Variant Classification Sherloc (09022015). Collection method: clinical testing. Allele origin: germline.
Comment: This sequence change replaces arginine, which is basic and polar, with cysteine, which is neutral and slightly polar, at codon 336 of the RSPH4A protein (p.Arg336Cys). This variant is present in population databases (rs746613781, gnomAD 0.007%). This variant has not been reported in the literature in individuals affected with RSPH4A-related conditions. ClinVar contains an entry for this variant (Variation ID: 1362434). Advanced modeling of protein sequence and biophysical properties (such as structural, functional, and spatial information, amino acid conservation, physicochemical variation, residue mobility, and thermodynamic stability) performed at Invitae indicates that this missense variant is not expected to disrupt RSPH4A protein function with a negative predictive value of 80%. In summary, the available evidence is currently insufficient to determine the role of this variant in disease. Therefore, it has been classified as a Variant of Uncertain Significance.